The following is an entry in ClinVar:

NM_173689.7(CRB2):c.1128T>C (p.Thr376=)

Gene: CRB2 (crumbs cell polarity complex component 2; plus strand). Cytogenetic location: 9q33.3.
Variant type: single nucleotide variant.
Coding change: c.1128T>C on transcript NM_173689.7 (MANE Select); coding-DNA position 1128, T replaced by C.
Protein change: p.Thr376=; no amino-acid change (threonine 376 retained).
Molecular consequence: synonymous variant. On other transcripts: non-coding transcript variant (1).
Genome position (GRCh38, 1-based): chr9:123,370,181, T>C. VCF-style: chr9-123370181-T-C. GRCh37 (hg19) VCF-style: chr9-126132460-T-C.
Identifiers: ClinVar variation 3036366 (VCV003036366.3), dbSNP rs777045044, ClinGen allele CA5231913.

ClinVar aggregate classification (germline): Likely benign. Review status: criteria provided, single submitter (1 of 4 stars). 2 submissions from 2 submitters: Likely benign (1). 1 of the submissions does not count toward it. Last evaluated 2025-06-17.

Conditions:
CRB2-related disorder. Also called: CRB2-related disorders; CRB2-related condition.

Allele frequency attached by ClinVar (database versions not stated): gnomAD exomes 0.00001; ExAC 0.00002; TOPMed 0.00003; gnomAD 0.00004.
gnomAD v4.1: 39 of 1,612,232 alleles (0.0024%); highest among the groups gnomAD compares: Admixed American, 0.013%; no homozygotes.

Submissions (2):

Labcorp Genetics (formerly Invitae), Labcorp
Classification: Likely benign. Last evaluated: 2025-06-17. Review status: criteria provided, single submitter. Criteria: Invitae Variant Classification Sherloc (09022015). Collection method: clinical testing. Allele origin: germline.

PreventionGenetics, part of Exact Sciences
Classification: Likely benign for CRB2-related condition. Last evaluated: 2023-03-15. Review status: no assertion criteria provided. Collection method: clinical testing. Allele origin: germline. Not counted in ClinVar's aggregate classification.
Comment: This variant is classified as likely benign based on ACMG/AMP sequence variant interpretation guidelines (Richards et al. 2015 PMID: 25741868, with internal and published modifications).